The following is an entry in ClinVar:

ClinVar aggregate classification (germline): Uncertain significance (1 of 4 stars; one submission).

Conditions:
Early-infantile DEE. Also called: Early infantile epileptic encephalopathy; Early infantile epileptic encephalopathy with suppression bursts; Ohtahara syndrome. Identifiers: Orphanet 1934, MedGen C0393706, MONDO:0800491.

Submission:

Labcorp Genetics (formerly Invitae), Labcorp
Classification: Uncertain significance for Early-infantile DEE. Last evaluated: 2023-01-14. Review status: criteria provided, single submitter. Criteria: Invitae Variant Classification Sherloc (09022015). Collection method: clinical testing. Allele origin: germline.
Comment: In summary, the available evidence is currently insufficient to determine the role of this variant in disease. Therefore, it has been classified as a Variant of Uncertain Significance. Advanced modeling of protein sequence and biophysical properties (such as structural, functional, and spatial information, amino acid conservation, physicochemical variation, residue mobility, and thermodynamic stability) has been performed at Invitae for this missense variant, however the output from this modeling did not meet the statistical confidence thresholds required to predict the impact of this variant on SCN8A protein function. This variant has not been reported in the literature in individuals affected with SCN8A-related conditions. This variant is not present in population databases (gnomAD no frequency). This sequence change replaces alanine, which is neutral and non-polar, with threonine, which is neutral and polar, at codon 108 of the SCN8A protein (p.Ala108Thr).

NM_001330260.2(SCN8A):c.322G>A (p.Ala108Thr)

Gene: SCN8A (sodium voltage-gated channel alpha subunit 8; plus strand). Cytogenetic location: 12q13.13.
Variant type: single nucleotide variant.
Coding change: c.322G>A on transcript NM_001330260.2 (MANE Select); coding-DNA position 322, G replaced by A.
Protein change: p.Ala108Thr; replaces alanine 108 with threonine.
Molecular consequence: missense variant.
Genome position (GRCh38, 1-based): chr12:51,684,219, G>A. VCF-style: chr12-51684219-G-A. GRCh37 (hg19) VCF-style: chr12-52078003-G-A.
Other names: c.322G>A, p.Ala108Thr (NM_001177984.3, NM_001369788.1, NM_014191.4); short protein forms A108T.
Identifiers: ClinVar variation 2828526 (VCV002828526.3), dbSNP rs2540152112, ClinGen allele CA385220861.